The following is an entry in ClinVar:

ClinVar aggregate classification (germline): Likely benign. Review status: criteria provided, multiple submitters, no conflicts (2 of 4 stars). 2 submissions from 2 submitters: Likely benign (2). Last evaluated 2026-05-01.

Conditions:
CHARGE syndrome (CHARGE). Also called: Hittner Hirsch Kreh syndrome; CHARGE ASSOCIATION--COLOBOMA, HEART ANOMALY, CHOANAL ATRESIA, RETARDATION, GENITAL AND EAR ANOMALIES; Coloboma, heart anomaly, choanal atresia, retardation, genital and ear anomalies; CHARGE association; Hall-Hittner syndrome. Identifiers: Orphanet 138, MedGen C0265354, MONDO:0008965.

gnomAD v4.1: 15 of 1,607,548 alleles (0.00093%); highest among the groups gnomAD compares: South Asian, 0.017%; no homozygotes.

Submissions (2):

CeGaT Center for Human Genetics Tuebingen
Classification: Likely benign. Last evaluated: 2026-05-01. Review status: criteria provided, single submitter. Criteria: CeGaT Center For Human Genetics Tuebingen Variant Classification Criteria Version 2. Collection method: clinical testing. Allele origin: germline. Affected: yes. Observed: 1 variant allele.
Comment: CHD7: BS2

Labcorp Genetics (formerly Invitae), Labcorp
Classification: Likely benign for CHARGE syndrome. Last evaluated: 2024-07-01. Review status: criteria provided, single submitter. Criteria: Invitae Variant Classification Sherloc (09022015). Collection method: clinical testing. Allele origin: germline.

NM_017780.4(CHD7):c.2639A>T (p.Asp880Val)

Gene: CHD7 (chromodomain helicase DNA binding protein 7; plus strand). Cytogenetic location: 8q12.2.
Variant type: single nucleotide variant.
Coding change: c.2639A>T on transcript NM_017780.4 (MANE Select); coding-DNA position 2639, A replaced by T.
Protein change: p.Asp880Val; replaces aspartic acid 880 with valine.
Molecular consequence: missense variant. On other transcripts: intron variant (1).
Genome position (GRCh38, 1-based): chr8:60,820,032, A>T. VCF-style: chr8-60820032-A-T. GRCh37 (hg19) VCF-style: chr8-61732591-A-T.
Other names: c.1716+38982A>T (NM_001316690.1); short protein forms D880V.
Identifiers: ClinVar variation 3716923 (VCV003716923.4).
Genomic context (GRCh38, chr8:60,820,032, plus strand): 5'-TAAACCTTTAACTTTTTTTTTTCCCTTTGGTGTAGATTGAGGATGAGCTTTTTAATCCAG[A>T]TTATGTGGAGGTTGACCGGATAATGGACTTTGCACGTAGCACAGATGACCGGGGAGAGGT-3'
Protein context (NP_060250.2, residues 870-890): SEIEDELFNP[Asp880Val]YVEVDRIMDF